The following is an entry in ClinVar:

NM_032043.3(BRIP1):c.1839A>G (p.Thr613=)

Gene: BRIP1 (BRCA1 interacting DNA helicase 1; minus strand). Cytogenetic location: 17q23.2.
Variant type: single nucleotide variant.
Coding change: c.1839A>G on transcript NM_032043.3 (MANE Select); coding-DNA position 1839, A replaced by G.
Protein change: p.Thr613=; no amino-acid change (threonine 613 retained).
Molecular consequence: synonymous variant.
Genome position (GRCh38, 1-based): chr17:61,780,357, T>C on the plus strand (A>G on the coding strand, the complement: BRIP1 is on the minus strand). VCF-style: chr17-61780357-T-C. GRCh37 (hg19) VCF-style: chr17-59857718-T-C.
Identifiers: ClinVar variation 820140 (VCV000820140.17), dbSNP rs1603333264, ClinGen allele CA501150407.

ClinVar aggregate classification (germline): Benign/Likely benign. Review status: criteria provided, multiple submitters, no conflicts (2 of 4 stars). 4 submissions from 4 submitters: Benign (1); Likely benign (3). Last evaluated 2025-05-13.

Conditions:
Familial cancer of breast. Also called: Hereditary breast cancer; hereditary breast carcinoma; BREAST CANCER, FAMILIAL. Identifiers: Orphanet 227535, MedGen C0346153, MONDO:0016419, OMIM 114480. Disease mechanism: loss of function.
Fanconi anemia complementation group J. Also called: BRIP1-Related Fanconi Anemia. Identifiers: Orphanet 84, MedGen C1836860, MONDO:0012187, OMIM 609054.
Hereditary cancer-predisposing syndrome. Also called: Hereditary Cancer Syndrome; Neoplastic Syndromes, Hereditary; Hereditary neoplastic syndrome; Tumor predisposition. Identifiers: Orphanet 140162, MedGen C0027672, MeSH D009386, MONDO:0015356.

Allele frequency attached by ClinVar (database versions not stated): gnomAD exomes below 0.00001.
gnomAD v4.1: 1 of 1,610,726 alleles (0.000062%); highest among the groups gnomAD compares: Non-Finnish European, 0.000085%; no homozygotes.

Submissions (4):

Labcorp Genetics (formerly Invitae), Labcorp
Classification: Likely benign for Familial cancer of breast; Fanconi anemia complementation group J. Last evaluated: 2025-05-13. Review status: criteria provided, single submitter. Criteria: Invitae Variant Classification Sherloc (09022015). Collection method: clinical testing. Allele origin: germline.

Myriad Genetics, Inc.
Classification: Benign for Familial cancer of breast. Last evaluated: 2024-08-29. Review status: criteria provided, single submitter. Criteria: Myriad Autosomal Dominant, Autosomal Recessive and X-Linked Classification Criteria (2023). Collection method: clinical testing. Allele origin: unknown.
Comment: This variant is considered benign. This variant is a silent/synonymous amino acid change and it is not expected to impact splicing.

Ambry Genetics
Classification: Likely benign for Hereditary cancer-predisposing syndrome. Last evaluated: 2019-11-17. Review status: criteria provided, single submitter. Criteria: Ambry Variant Classification Scheme 2023. Collection method: clinical testing. Allele origin: germline.

Color Diagnostics, LLC DBA Color Health
Classification: Likely benign for Hereditary cancer-predisposing syndrome. Last evaluated: 2019-10-02. Review status: criteria provided, single submitter. Criteria: ACMG Guidelines, 2015. Collection method: clinical testing. Allele origin: germline.